The following is an entry in ClinVar:

NM_033402.5(LRRCC1):c.880G>A (p.Glu294Lys)

Gene: LRRCC1 (leucine rich repeat and coiled-coil centrosomal protein 1; plus strand). Cytogenetic location: 8q21.2.
Variant type: single nucleotide variant.
Coding change: c.880G>A on transcript NM_033402.5 (MANE Select); coding-DNA position 880, G replaced by A.
Protein change: p.Glu294Lys; replaces glutamic acid 294 with lysine.
Molecular consequence: missense variant. On other transcripts: intron variant (2).
Genome position (GRCh38, 1-based): chr8:85,115,534, G>A. VCF-style: chr8-85115534-G-A. GRCh37 (hg19) VCF-style: chr8-86027769-G-A.
Other names: c.33+2435G>A (NM_001349638.2); c.-14+2435G>A (NM_001349639.2); c.601G>A, p.Glu201Lys (NM_001349636.2); c.454G>A, p.Glu152Lys (NM_001349637.2); c.880G>A (NM_033402.4); short protein forms E201K, E294K, E152K.
Identifiers: ClinVar variation 1466361 (VCV001466361.7), dbSNP rs1422485408, ClinGen allele CA371415470.

ClinVar aggregate classification (germline): Uncertain significance. Review status: criteria provided, multiple submitters, no conflicts (2 of 4 stars). 2 submissions from 2 submitters: Uncertain significance (2). Last evaluated 2025-01-17.

Allele frequency attached by ClinVar (database versions not stated): gnomAD exomes 0.00001 and 0.00002.
gnomAD v4.1: 7 of 1,613,290 alleles (0.00043%); highest among the groups gnomAD compares: Admixed American, 0.0067%; no homozygotes.

Submissions (2):

Ambry Genetics
Classification: Uncertain significance. Last evaluated: 2025-01-17. Review status: criteria provided, single submitter. Criteria: Ambry Variant Classification Scheme 2023. Collection method: clinical testing. Allele origin: germline.

Labcorp Genetics (formerly Invitae), Labcorp
Classification: Uncertain significance. Last evaluated: 2024-09-18. Review status: criteria provided, single submitter. Criteria: Invitae Variant Classification Sherloc (09022015). Collection method: clinical testing. Allele origin: germline.
Comment: This sequence change replaces glutamic acid, which is acidic and polar, with lysine, which is basic and polar, at codon 294 of the LRRCC1 protein (p.Glu294Lys). The frequency data for this variant in the population databases is considered unreliable, as metrics indicate poor data quality at this position in the gnomAD database. This variant has not been reported in the literature in individuals affected with LRRCC1-related conditions. ClinVar contains an entry for this variant (Variation ID: 1466361). An algorithm developed to predict the effect of missense changes on protein structure and function (PolyPhen-2) suggests that this variant is likely to be disruptive. In summary, the available evidence is currently insufficient to determine the role of this variant in disease. Therefore, it has been classified as a Variant of Uncertain Significance.